The following is an entry in ClinVar:

ClinVar aggregate classification (germline): Uncertain significance. Review status: criteria provided, multiple submitters, no conflicts (2 of 4 stars). 3 submissions from 3 submitters: Uncertain significance (3). Last evaluated 2024-11-21.

Conditions:
Hereditary cancer-predisposing syndrome. Also called: Neoplastic Syndromes, Hereditary; Hereditary neoplastic syndrome; Hereditary Cancer Syndrome; Tumor predisposition. Identifiers: Orphanet 140162, MedGen C0027672, MeSH D009386, MONDO:0015356.
Hereditary diffuse gastric adenocarcinoma (HDGC). Also called: DIFFUSE GASTRIC AND LOBULAR BREAST CANCER SYNDROME. Identifiers: Orphanet 26106, MedGen C1708349, MONDO:0007648, OMIM 137215.

Allele frequency attached by ClinVar (database versions not stated): TOPMed below 0.00001.

Submissions (3):

Ambry Genetics
Classification: Uncertain significance for Hereditary cancer-predisposing syndrome. Last evaluated: 2024-11-21. Review status: criteria provided, single submitter. Criteria: Ambry Variant Classification Scheme 2023. Collection method: clinical testing. Allele origin: germline.
Comment: The p.E659G variant (also known as c.1976A>G), located in coding exon 13 of the CDH1 gene, results from an A to G substitution at nucleotide position 1976. The glutamic acid at codon 659 is replaced by glycine, an amino acid with similar properties. This amino acid position is conserved. In addition, this alteration is predicted to be tolerated by in silico analysis. Based on the available evidence, the clinical significance of this variant remains unclear.

Labcorp Genetics (formerly Invitae), Labcorp
Classification: Uncertain significance for Hereditary diffuse gastric adenocarcinoma. Last evaluated: 2024-11-17. Review status: criteria provided, single submitter. Criteria: Invitae Variant Classification Sherloc (09022015). Collection method: clinical testing. Allele origin: germline.
Comment: This sequence change replaces glutamic acid, which is acidic and polar, with glycine, which is neutral and non-polar, at codon 659 of the CDH1 protein (p.Glu659Gly). This variant is not present in population databases (gnomAD no frequency). This variant has not been reported in the literature in individuals affected with CDH1-related conditions. ClinVar contains an entry for this variant (Variation ID: 999546). An algorithm developed to predict the effect of missense changes on protein structure and function (PolyPhen-2) suggests that this variant is likely to be tolerated. In summary, the available evidence is currently insufficient to determine the role of this variant in disease. Therefore, it has been classified as a Variant of Uncertain Significance.

GeneDx
Classification: Uncertain significance. Last evaluated: 2024-04-02. Review status: criteria provided, single submitter. Criteria: GeneDx Variant Classification Process June 2021. Collection method: clinical testing. Allele origin: germline. Affected: yes.
Comment: Not observed at significant frequency in large population cohorts (gnomAD); In silico analysis supports that this missense variant has a deleterious effect on protein structure/function; Has not been previously published as pathogenic or benign to our knowledge; This variant is associated with the following publications: (PMID: 22850631, 15235021)

NM_004360.5(CDH1):c.1976A>G (p.Glu659Gly)

Gene: CDH1 (cadherin 1; plus strand). Cytogenetic location: 16q22.1.
Variant type: single nucleotide variant.
Coding change: c.1976A>G on transcript NM_004360.5 (MANE Select); coding-DNA position 1976, A replaced by G.
Protein change: p.Glu659Gly; replaces glutamic acid 659 with glycine.
Molecular consequence: missense variant.
Genome position (GRCh38, 1-based): chr16:68,823,438, A>G. VCF-style: chr16-68823438-A-G. GRCh37 (hg19) VCF-style: chr16-68857341-A-G.
Other names: c.1976A>G (NM_004360.3); c.1793A>G, p.Glu598Gly (NM_001317184.2); c.428A>G, p.Glu143Gly (NM_001317185.2); c.11A>G, p.Glu4Gly (NM_001317186.2); short protein forms E143G, E4G, E598G, E659G.
Identifiers: ClinVar variation 999546 (VCV000999546.9), dbSNP rs1961225880, ClinGen allele CA396467585.